The following is an entry in ClinVar:

NM_170606.3(KMT2C):c.2920T>A (p.Leu974Ile)

Gene: KMT2C (lysine methyltransferase 2C; minus strand). Cytogenetic location: 7q36.1.
Variant type: single nucleotide variant.
Coding change: c.2920T>A on transcript NM_170606.3 (MANE Select); coding-DNA position 2920, T replaced by A.
Protein change: p.Leu974Ile; replaces leucine 974 with isoleucine.
Molecular consequence: missense variant.
Genome position (GRCh38, 1-based): chr7:152,229,979, A>T on the plus strand (T>A on the coding strand, the complement: KMT2C is on the minus strand). VCF-style: chr7-152229979-A-T. GRCh37 (hg19) VCF-style: chr7-151927064-A-T.
Other names: short protein forms L974I.
Identifiers: ClinVar variation 4795609 (VCV004795609.1).

ClinVar aggregate classification (germline): Uncertain significance (1 of 4 stars; one submission).

gnomAD v4.1: 1 of 1,611,260 alleles (0.000062%); highest among the groups gnomAD compares: Non-Finnish European, 0.000085%; no homozygotes.

Submission:

GeneDx
Classification: Uncertain significance. Last evaluated: 2025-08-08. Review status: criteria provided, single submitter. Criteria: GeneDx Variant Classification Process June 2021. Collection method: clinical testing. Allele origin: germline. Affected: yes.
Comment: Not observed at significant frequency in large population cohorts (gnomAD); In silico analysis suggests that this missense variant does not alter protein structure/function; Has not been previously published as pathogenic or benign to our knowledge